The following is an entry in ClinVar:

NM_012330.4(KAT6B):c.1279G>A (p.Val427Ile)

Gene: KAT6B (lysine acetyltransferase 6B; plus strand). Cytogenetic location: 10q22.2.
Variant type: single nucleotide variant.
Coding change: c.1279G>A on transcript NM_012330.4 (MANE Select); coding-DNA position 1279, G replaced by A.
Protein change: p.Val427Ile; replaces valine 427 with isoleucine.
Molecular consequence: missense variant. On other transcripts: intron variant (11).
Genome position (GRCh38, 1-based): chr10:74,975,616, G>A. VCF-style: chr10-74975616-G-A. GRCh37 (hg19) VCF-style: chr10-76735374-G-A.
Other names: c.1279G>A, p.Val427Ile (NM_001256468.2, NM_001370136.1, NM_001370137.1 and 1 more transcripts); c.1117+162G>A (NM_001370139.1, NM_001370140.1, NM_001370141.1 and 3 more transcripts); c.846+5841G>A (NM_001370133.1); c.193-3608G>A (NM_001370134.1); c.929-1700G>A (NM_001370143.1, NM_001370144.1); c.193-13403G>A (NM_001370135.1); short protein forms V427I.
Identifiers: ClinVar variation 3661551 (VCV003661551.2).
Genomic context (GRCh38, chr10:74,975,616, plus strand): 5'-CCTGGTGCCACCACCAAAATCACCACCACCTCCACCTACATTTCTGCCTCTACACTTAAA[G>A]TTAACAAGAAAACCAAAGGGCTCATTGATGGCCTTACTAAGTTTTTTACACCATCACCTG-3'
Protein context (NP_036462.2, residues 417-437): STYISASTLK[Val427Ile]NKKTKGLIDG

ClinVar aggregate classification (germline): Uncertain significance (1 of 4 stars; one submission).

Conditions:
Genitopatellar syndrome (GTPTS). Also called: ABSENT PATELLAE, SCROTAL HYPOPLASIA, RENAL ANOMALIES, FACIAL DYSMORPHISM, AND MENTAL RETARDATION; Genitopatellar syndrome (GPS). Identifiers: Orphanet 85201, MedGen C1853566, MONDO:0011640, OMIM 606170.

Submission:

Labcorp Genetics (formerly Invitae), Labcorp
Classification: Uncertain significance for Genitopatellar syndrome. Last evaluated: 2025-07-14. Review status: criteria provided, single submitter. Criteria: Invitae Variant Classification Sherloc (09022015). Collection method: clinical testing. Allele origin: germline.
Comment: This sequence change replaces valine, which is neutral and non-polar, with isoleucine, which is neutral and non-polar, at codon 427 of the KAT6B protein (p.Val427Ile). This variant is not present in population databases (gnomAD no frequency). This variant has not been reported in the literature in individuals affected with KAT6B-related conditions. ClinVar contains an entry for this variant (Variation ID: 3661551). An algorithm developed to predict the effect of missense changes on protein structure and function (PolyPhen-2) suggests that this variant is likely to be disruptive. In summary, the available evidence is currently insufficient to determine the role of this variant in disease. Therefore, it has been classified as a Variant of Uncertain Significance.